The following is an entry in ClinVar:

NM_000206.3(IL2RG):c.427del (p.Thr143fs)

Gene: IL2RG (interleukin 2 receptor subunit gamma; minus strand). Cytogenetic location: Xq13.1.
Variant type: Deletion.
Coding change: c.427del on transcript NM_000206.3 (MANE Select); coding-DNA position 427, one base deleted (A; older notation c.427delA).
Protein change: p.Thr143fs; shifts the reading frame from threonine 143.
Molecular consequence: frameshift variant.
Genome position (GRCh38, 1-based): chrX:71,110,531, T deleted on the plus strand (A on the coding strand, the reverse complement: IL2RG is on the minus strand). VCF-style (leftmost placement, unchanged base first): chrX-71110530-GT-G. GRCh37 (hg19) VCF-style: chrX-70330380-GT-G.
Other names: c.427delA (NM_000206.2); short protein forms T143fs.
Identifiers: ClinVar variation 503952 (VCV000503952.1), dbSNP rs1556330710, ClinGen allele CA658799779.
Genomic context (GRCh38, chrX:71,110,530, plus strand): 5'-TCCCTGGTCTCTTGACCCTTTCTTTCCAAATTACCCAGATTCTGCAGTTTTAGCATCTGT[GT>G]GGCCTGTCTCCTGGGTTCCCGTGGGTCCTGGAGCTGAACAACAAATGTTTGGTAGAGGTG-3'

ClinVar aggregate classification (germline): Pathogenic (1 of 4 stars; one submission).

Submission:

GeneDx
Classification: Pathogenic. Last evaluated: 2017-12-14. Review status: criteria provided, single submitter. Criteria: GeneDx Variant Classification (06012015). Collection method: clinical testing. Allele origin: germline. Affected: yes.
Comment: The c.427delA variant causes a frameshift starting with codon Threonine 143, changes this amino acid to a Histidine residue and creates a premature Stop codon at position 4 of the new reading frame, denoted p.Thr143HisfsX4. This variant is predicted to cause loss of normal protein function either through protein truncation or nonsense-mediated mRNA decay. The variant is not observed in large population cohorts (Lek et al., 2016). Although this variant has not been previously reported to our knowledge, we consider it to be pathogenic.